The following is an entry in ClinVar:

NM_022896.3(LPIN3):c.421_434del (p.Arg141fs)

Gene: LPIN3 (lipin 3; plus strand). Cytogenetic location: 20q12.
Variant type: Deletion.
Coding change: c.421_434del on transcript NM_022896.3 (MANE Select); coding-DNA positions 421 to 434, 14 bases deleted (CGGAGGAAGAGGCG).
Protein change: p.Arg141fs; shifts the reading frame from arginine 141.
Molecular consequence: frameshift variant. On other transcripts: non-coding transcript variant (1).
Genome position (GRCh38, 1-based): chr20:41,348,751-41,348,764, CGGAGGAAGAGGCG deleted; deleting any 14 consecutive bases within chr20:41,348,750-41,348,764 gives the same sequence; the c. name uses the placement nearest the transcript's 3' end. VCF-style (leftmost placement, unchanged base first): chr20-41348749-GGCGGAGGAAGAGGC-G. GRCh37 (hg19) VCF-style: chr20-39977389-GGCGGAGGAAGAGGC-G.
Other names: c.421_434del, p.Arg141fs (NM_001301860.2); short protein forms R141fs.
Identifiers: ClinVar variation 2652327 (VCV002652327.24), dbSNP rs2515641153, ClinGen allele CA2695201399.

ClinVar aggregate classification (germline): Uncertain significance (1 of 4 stars; one submission).

Submission:

CeGaT Center for Human Genetics Tuebingen
Classification: Uncertain significance. Last evaluated: 2022-08-01. Review status: criteria provided, single submitter. Criteria: CeGaT Center For Human Genetics Tuebingen Variant Classification Criteria Version 2. Collection method: clinical testing. Allele origin: germline. Affected: yes. Observed: 1 variant allele.
Comment: LPIN3: PM2